The following is an entry in ClinVar:

ClinVar aggregate classification (germline): Uncertain significance (1 of 4 stars; one submission).

gnomAD v4.1: 8 of 1,614,050 alleles (0.0005%); highest among the groups gnomAD compares: Middle Eastern, 0.017%; no homozygotes.

Submission:

GeneDx
Classification: Uncertain significance. Last evaluated: 2022-11-03. Review status: criteria provided, single submitter. Criteria: GeneDx Variant Classification Process June 2021. Collection method: clinical testing. Allele origin: germline. Affected: yes.
Comment: Not observed at significant frequency in large population cohorts (gnomAD); In silico analysis supports that this missense variant does not alter protein structure/function; Has not been previously published as pathogenic or benign to our knowledge

NM_003172.4(SURF1):c.184C>A (p.Leu62Ile)

Gene: SURF1 (SURF1 cytochrome c oxidase assembly factor; minus strand). Cytogenetic location: 9q34.2.
Variant type: single nucleotide variant.
Coding change: c.184C>A on transcript NM_003172.4 (MANE Select); coding-DNA position 184, C replaced by A.
Protein change: p.Leu62Ile; replaces leucine 62 with isoleucine.
Molecular consequence: missense variant. On other transcripts: 5 prime UTR variant (1).
Genome position (GRCh38, 1-based): chr9:133,354,880, G>T on the plus strand (C>A on the coding strand, the complement: SURF1 is on the minus strand). VCF-style: chr9-133354880-G-T. GRCh37 (hg19) VCF-style: chr9-136221735-G-T.
Other names: c.-144C>A (NM_001280787.1); short protein forms L62I.
Identifiers: ClinVar variation 2501464 (VCV002501464.1), dbSNP rs782453666, ClinGen allele CA200833515.
Genomic context (GRCh38, chr9:133,354,880, plus strand): 5'-TTACCTGCCATGTCCCCAAGCCAAAGGCAGTCACAGGGATGAGGAGCAGGACCCACTGAA[G>T]AAAGGAGTCATCTTCCGCTTTTGTGGCAGATGCTTCTGCTGCAGAACTGCCACATCTGCT-3'
Protein context (NP_003163.1, residues 52-72): SATKAEDDSF[Leu62Ile]QWVLLLIPVT